The following is an entry in ClinVar:

ClinVar aggregate classification (germline): Uncertain significance (1 of 4 stars; one submission).

gnomAD v4.1: 1 of 1,612,938 alleles (0.000062%); no homozygotes.

Submission:

Labcorp Genetics (formerly Invitae), Labcorp
Classification: Uncertain significance. Last evaluated: 2021-02-17. Review status: criteria provided, single submitter. Criteria: Invitae Variant Classification Sherloc (09022015). Collection method: clinical testing. Allele origin: germline.
Comment: This sequence change replaces threonine with arginine at codon 683 of the COL7A1 protein (p.Thr683Arg). The threonine residue is moderately conserved and there is a moderate physicochemical difference between threonine and arginine. This variant is not present in population databases (ExAC no frequency). This variant has not been reported in the literature in individuals with COL7A1-related conditions. Algorithms developed to predict the effect of missense changes on protein structure and function are either unavailable or do not agree on the potential impact of this missense change (SIFT: "Deleterious"; PolyPhen-2: "Not Available"; Align-GVGD: "Class C0"). Algorithms developed to predict the effect of sequence changes on RNA splicing suggest that this variant may create or strengthen a splice site, but this prediction has not been confirmed by published transcriptional studies. In summary, the available evidence is currently insufficient to determine the role of this variant in disease. Therefore, it has been classified as a Variant of Uncertain Significance.

NM_000094.4(COL7A1):c.2048C>G (p.Thr683Arg)

Gene: COL7A1 (collagen type VII alpha 1 chain; minus strand). Cytogenetic location: 3p21.31.
Variant type: single nucleotide variant.
Coding change: c.2048C>G on transcript NM_000094.4 (MANE Select); coding-DNA position 2048, C replaced by G.
Protein change: p.Thr683Arg; replaces threonine 683 with arginine.
Molecular consequence: missense variant.
Genome position (GRCh38, 1-based): chr3:48,590,215, G>C on the plus strand (C>G on the coding strand, the complement: COL7A1 is on the minus strand). VCF-style: chr3-48590215-G-C. GRCh37 (hg19) VCF-style: chr3-48627648-G-C.
Other names: short protein forms T683R.
Identifiers: ClinVar variation 2176130 (VCV002176130.1), dbSNP rs201852525, ClinGen allele CA352725984.